The following is an entry in ClinVar:

ClinVar aggregate classification (germline): Uncertain significance (1 of 4 stars; one submission).

Allele frequency attached by ClinVar (database versions not stated): gnomAD exomes below 0.00001.
gnomAD v4.1: 2 of 1,613,982 alleles (0.00012%); highest among the groups gnomAD compares: Non-Finnish European, 0.00017%; no homozygotes.

Submission:

Labcorp Genetics (formerly Invitae), Labcorp
Classification: Uncertain significance. Last evaluated: 2024-10-22. Review status: criteria provided, single submitter. Criteria: Invitae Variant Classification Sherloc (09022015). Collection method: clinical testing. Allele origin: germline.
Comment: This sequence change replaces serine, which is neutral and polar, with glycine, which is neutral and non-polar, at codon 815 of the LEMD3 protein (p.Ser815Gly). This variant is not present in population databases (gnomAD no frequency). This variant has not been reported in the literature in individuals affected with LEMD3-related conditions. Invitae Evidence Modeling of protein sequence and biophysical properties (such as structural, functional, and spatial information, amino acid conservation, physicochemical variation, residue mobility, and thermodynamic stability) indicates that this missense variant is not expected to disrupt LEMD3 protein function with a negative predictive value of 80%. In summary, the available evidence is currently insufficient to determine the role of this variant in disease. Therefore, it has been classified as a Variant of Uncertain Significance.

NM_014319.5(LEMD3):c.2443A>G (p.Ser815Gly)

Gene: LEMD3 (LEM domain containing 3; plus strand). Cytogenetic location: 12q14.3.
Variant type: single nucleotide variant.
Coding change: c.2443A>G on transcript NM_014319.5 (MANE Select); coding-DNA position 2443, A replaced by G.
Protein change: p.Ser815Gly; replaces serine 815 with glycine.
Molecular consequence: missense variant.
Genome position (GRCh38, 1-based): chr12:65,245,724, A>G. VCF-style: chr12-65245724-A-G. GRCh37 (hg19) VCF-style: chr12-65639504-A-G.
Other names: c.2440A>G, p.Ser814Gly (NM_001167614.2); short protein forms S814G, S815G.
Identifiers: ClinVar variation 2824041 (VCV002824041.3), dbSNP rs2498913218, ClinGen allele CA385675510.